The following is an entry in ClinVar:

NM_183357.3(ADCY5):c.2138_2139delinsC (p.Glu713fs)

Gene: ADCY5 (adenylate cyclase 5; minus strand). Cytogenetic location: 3q21.1.
Variant type: Indel.
Coding change: c.2138_2139delinsC on transcript NM_183357.3 (MANE Select); coding-DNA positions 2138 to 2139, AG replaced by C.
Protein change: p.Glu713fs; shifts the reading frame from glutamic acid 713.
Molecular consequence: frameshift variant.
Genome position (GRCh38, 1-based): chr3:123,319,791-123,319,792, CT replaced by G on the plus strand (AG replaced by C on the coding strand, the reverse complement: ADCY5 is on the minus strand). VCF-style: chr3-123319791-CT-G. GRCh37 (hg19) VCF-style: chr3-123038638-CT-G.
Other names: c.1088_1089delinsC, p.Glu363fs (NM_001199642.1); c.2138_2139delinsC, p.Glu713fs (NM_001378259.1); short protein forms E713fs, E363fs.
Identifiers: ClinVar variation 3781025 (VCV003781025.1).

ClinVar aggregate classification (germline): Likely pathogenic (1 of 4 stars; one submission).

Submission:

GeneDx
Classification: Likely pathogenic. Last evaluated: 2024-10-15. Review status: criteria provided, single submitter. Criteria: GeneDx Variant Classification Process June 2021. Collection method: clinical testing. Allele origin: germline. Affected: yes.
Comment: Frameshift variant predicted to result in protein truncation or nonsense mediated decay in a gene for which loss of function is a known mechanism of disease; Not observed at significant frequency in large population cohorts (gnomAD); Has not been previously published as pathogenic or benign to our knowledge